The following is an entry in ClinVar:

ClinVar aggregate classification (germline): Pathogenic (1 of 4 stars; one submission).

Conditions:
Early-infantile DEE. Also called: Ohtahara syndrome; Early infantile epileptic encephalopathy with suppression bursts; Early infantile epileptic encephalopathy. Identifiers: Orphanet 1934, MedGen C0393706, MONDO:0800491.

Submission:

Labcorp Genetics (formerly Invitae), Labcorp
Classification: Pathogenic for Early-infantile DEE. Last evaluated: 2023-05-17. Review status: criteria provided, single submitter. Criteria: Invitae Variant Classification Sherloc (09022015). Collection method: clinical testing. Allele origin: germline.
Comment: This variant disrupts the p.Asp563 amino acid residue in KCNQ2. Other variant(s) that disrupt this residue have been determined to be pathogenic (PMID: 24107868, 26007637, 29383681; Invitae). This suggests that this residue is clinically significant, and that variants that disrupt this residue are likely to be disease-causing. For these reasons, this variant has been classified as Pathogenic. An algorithm developed to predict the effect of missense changes on protein structure and function (PolyPhen-2) suggests that this variant is likely to be disruptive. This missense change has been observed in individual(s) with clinical features of KCNQ2-related conditions (PMID: 23621294; Invitae). In at least one individual the variant was observed to be de novo. This variant is not present in population databases (gnomAD no frequency). This sequence change replaces aspartic acid, which is acidic and polar, with glutamic acid, which is acidic and polar, at codon 563 of the KCNQ2 protein (p.Asp563Glu).

Literature cited by the submitters: PubMed 24107868; PubMed 26007637; PubMed 29383681; PubMed 23621294.

NM_172107.4(KCNQ2):c.1689C>A (p.Asp563Glu)

Gene: KCNQ2 (potassium voltage-gated channel subfamily Q member 2; minus strand). Cytogenetic location: 20q13.33.
Variant type: single nucleotide variant.
Coding change: c.1689C>A on transcript NM_172107.4 (MANE Select); coding-DNA position 1689, C replaced by A.
Protein change: p.Asp563Glu; replaces aspartic acid 563 with glutamic acid.
Molecular consequence: missense variant.
Genome position (GRCh38, 1-based): chr20:63,413,524, G>T on the plus strand (C>A on the coding strand, the complement: KCNQ2 is on the minus strand). VCF-style: chr20-63413524-G-T. GRCh37 (hg19) VCF-style: chr20-62044877-G-T.
Other names: c.1635C>A, p.Asp545Glu (NM_001382235.1, NM_172106.3); c.1605C>A, p.Asp535Glu (NM_004518.6); c.1596C>A, p.Asp532Glu (NM_172108.5); short protein forms D532E, D545E, D535E, D563E.
Identifiers: ClinVar variation 2855247 (VCV002855247.3), dbSNP rs35450031, ClinGen allele CA409643747.